The following is an entry in ClinVar:

NM_000400.4(ERCC2):c.688G>T (p.Val230Phe)

Gene: ERCC2 (ERCC excision repair 2, TFIIH core complex helicase subunit; minus strand). Cytogenetic location: 19q13.32.
Variant type: single nucleotide variant.
Coding change: c.688G>T on transcript NM_000400.4 (MANE Select); coding-DNA position 688, G replaced by T.
Protein change: p.Val230Phe; replaces valine 230 with phenylalanine.
Molecular consequence: missense variant.
Genome position (GRCh38, 1-based): chr19:45,364,454, C>A on the plus strand (G>T on the coding strand, the complement: ERCC2 is on the minus strand). VCF-style: chr19-45364454-C-A. GRCh37 (hg19) VCF-style: chr19-45867712-C-A.
Other names: c.616G>T, p.Val206Phe (NM_001130867.2); short protein forms V206F, V230F.
Identifiers: ClinVar variation 1756000 (VCV001756000.2), dbSNP rs1244316049, ClinGen allele CA406374332.

ClinVar aggregate classification (germline): Uncertain significance (1 of 4 stars; one submission).

Conditions:
Inborn genetic diseases. Identifiers: MedGen C0950123, MeSH D030342.

Submission:

Ambry Genetics
Classification: Uncertain significance for Inborn genetic diseases. Last evaluated: 2022-01-28. Review status: criteria provided, single submitter. Criteria: Ambry Variant Classification Scheme 2023. Collection method: clinical testing. Allele origin: germline.
Comment: The p.V230F variant (also known as c.688G>T), located in coding exon 8 of the ERCC2 gene, results from a G to T substitution at nucleotide position 688. The valine at codon 230 is replaced by phenylalanine, an amino acid with highly similar properties. This amino acid position is conserved. In addition, this alteration is predicted to be deleterious by in silico analysis. Since supporting evidence is limited at this time, the clinical significance of this alteration remains unclear.